The following is an entry in ClinVar:

NM_001290321.3(DMXL1):c.5998A>G (p.Ile2000Val)

Gene: DMXL1 (Dmx like 1; plus strand). Cytogenetic location: 5q23.1.
Variant type: single nucleotide variant.
Coding change: c.5998A>G on transcript NM_001290321.3 (MANE Select); coding-DNA position 5998, A replaced by G.
Protein change: p.Ile2000Val; replaces isoleucine 2000 with valine.
Molecular consequence: missense variant. On other transcripts: non-coding transcript variant (3).
Genome position (GRCh38, 1-based): chr5:119,170,789, A>G. VCF-style: chr5-119170789-A-G. GRCh37 (hg19) VCF-style: chr5-118506484-A-G.
Other names: NC_000005.9:g.118506484A>G; c.5998A>G, p.Ile2000Val (NM_001349239.2, NM_001349240.2, NM_001387933.1 and 2 more transcripts); c.5293A>G, p.Ile1765Val (NM_001387937.1); c.5011A>G, p.Ile1671Val (NM_001387938.1); c.5998A>G (NM_001290321.2); short protein forms I2000V, I1671V, I1765V.
Identifiers: ClinVar variation 780562 (VCV000780562.6), dbSNP rs115843760, ClinGen allele CA3380482.

ClinVar aggregate classification (germline): Benign. Review status: criteria provided, single submitter (1 of 4 stars). 2 submissions from 2 submitters: Benign (1). 1 of the submissions does not count toward it. Last evaluated 2019-01-03.

Conditions:
DMXL1-related disorder. Also called: DMXL1-related condition.

Allele frequency attached by ClinVar (database versions not stated): 1000 Genomes Project 0.01338; ESP Exome Variant Server 0.01769; 1000 Genomes Project 30x 0.01499; TOPMed 0.01517; gnomAD 0.01356.
gnomAD v4.1: 4,139 of 1,612,100 alleles (0.26%); highest among the groups gnomAD compares: African/African-American, 4.7%; 78 homozygotes.

Submissions (5):

Labcorp Genetics (formerly Invitae), Labcorp
Classification: Benign. Last evaluated: 2019-01-03. Review status: criteria provided, single submitter. Criteria: Invitae Variant Classification Sherloc (09022015). Collection method: clinical testing. Allele origin: germline.

PreventionGenetics, part of Exact Sciences
Classification: Benign for DMXL1-related condition. Last evaluated: 2019-02-19. Review status: no assertion criteria provided. Collection method: clinical testing. Allele origin: germline. Not counted in ClinVar's aggregate classification.
Comment: This variant is classified as benign based on ACMG/AMP sequence variant interpretation guidelines (Richards et al. 2015 PMID: 25741868, with internal and published modifications).

Dr. Peter K. Rogan Lab, Western University
No classification provided (evidence only). Condition: Uterine corpus endometrial carcinoma. Review status: no classification provided. Collection method: in vitro. Allele origin: not applicable. Functional consequence: retained intron. Not counted in ClinVar's aggregate classification.

Dr. Peter K. Rogan Lab, Western University
No classification provided (evidence only). Condition: Nonpapillary renal cell carcinoma. Review status: no classification provided. Collection method: in vitro. Allele origin: not applicable. Functional consequence: retained intron. Not counted in ClinVar's aggregate classification.

Dr. Peter K. Rogan Lab, Western University
No classification provided (evidence only). Condition: Cholangiocarcinoma. Review status: no classification provided. Collection method: in vitro. Allele origin: not applicable. Functional consequence: retained intron. Not counted in ClinVar's aggregate classification.